The following is an entry in ClinVar:

NM_212482.4(FN1):c.5490C>G (p.Ser1830Arg)

Gene: FN1 (fibronectin 1; minus strand). Cytogenetic location: 2q35.
Variant type: single nucleotide variant.
Coding change: c.5490C>G on transcript NM_212482.4 (MANE Select); coding-DNA position 5490, C replaced by G.
Protein change: p.Ser1830Arg; replaces serine 1830 with arginine.
Molecular consequence: missense variant.
Genome position (GRCh38, 1-based): chr2:215,379,262, G>C on the plus strand (C>G on the coding strand, the complement: FN1 is on the minus strand). VCF-style: chr2-215379262-G-C. GRCh37 (hg19) VCF-style: chr2-216243985-G-C.
Other names: c.5490C>G, p.Ser1830Arg (NM_001306129.2); c.5220C>G, p.Ser1740Arg (NM_001306130.2, NM_001365517.2, NM_001365519.2 and 2 more transcripts); c.4947C>G, p.Ser1649Arg (NM_001306131.2, NM_001306132.2, NM_001365523.2 and 2 more transcripts); c.5217C>G, p.Ser1739Arg (NM_001365518.2, NM_001365520.2, NM_001365524.2 and 2 more transcripts); short protein forms S1649R, S1739R, S1740R, S1830R.
Identifiers: ClinVar variation 3242048 (VCV003242048.2), dbSNP rs376598003.

ClinVar aggregate classification (germline): Uncertain significance. Review status: criteria provided, multiple submitters, no conflicts (2 of 4 stars). 2 submissions from 2 submitters: Uncertain significance (2). Last evaluated 2025-11-03.

Conditions:
Glomerulopathy with fibronectin deposits 2 (GFND2). Identifiers: Orphanet 84090, MedGen C1866075, MONDO:0011165, OMIM 601894.

Submissions (2):

Labcorp Genetics (formerly Invitae), Labcorp
Classification: Uncertain significance. Last evaluated: 2025-11-03. Review status: criteria provided, single submitter. Criteria: Invitae Variant Classification Sherloc (09022015). Collection method: clinical testing. Allele origin: germline.
Comment: This sequence change replaces serine, which is neutral and polar, with arginine, which is basic and polar, at codon 1830 of the FN1 protein (p.Ser1830Arg). This variant is not present in population databases (gnomAD no frequency). This variant has not been reported in the literature in individuals affected with FN1-related conditions. ClinVar contains an entry for this variant (Variation ID: 3242048). An algorithm developed to predict the effect of missense changes on protein structure and function (PolyPhen-2) suggests that this variant is likely to be disruptive. In summary, the available evidence is currently insufficient to determine the role of this variant in disease. Therefore, it has been classified as a Variant of Uncertain Significance.

Neuberg Centre For Genomic Medicine, NCGM
Classification: Uncertain significance for Glomerulopathy with fibronectin deposits 2. Review status: criteria provided, single submitter. Criteria: ACMG Guidelines, 2015. Collection method: clinical testing. Allele origin: germline. Inheritance: Autosomal dominant inheritance. Affected: yes.
Comment: The missense variant c.5490C>G (p.Ser1830Arg) in the FN1 gene has not been reported previously as a pathogenic variant nor as a benign variant, to our knowledge. This variant is absent in the gnomAD Exomes. The amino acid Serine at position 1830 is changed to a Arginine changing protein sequence and it might alter its composition and physico-chemical properties. For these reasons, this variant has been classified as Uncertain Significance.